The following is an entry in ClinVar:

NM_015338.6(ASXL1):c.3827C>G (p.Ser1276Cys)

Gene: ASXL1 (ASXL transcriptional regulator 1; plus strand). Cytogenetic location: 20q11.21.
Variant type: single nucleotide variant.
Coding change: c.3827C>G on transcript NM_015338.6 (MANE Select); coding-DNA position 3827, C replaced by G.
Protein change: p.Ser1276Cys; replaces serine 1276 with cysteine.
Molecular consequence: missense variant.
Genome position (GRCh38, 1-based): chr20:32,436,539, C>G. VCF-style: chr20-32436539-C-G. GRCh37 (hg19) VCF-style: chr20-31024342-C-G.
Other names: c.3644C>G, p.Ser1215Cys (NM_001363734.1); short protein forms S1215C, S1276C.
Identifiers: ClinVar variation 3794245 (VCV003794245.1).
Genomic context (GRCh38, chr20:32,436,539, plus strand): 5'-ATGCTGCTCCAGGAAAGAGCCCAGGAGATCTTACTACCTCGAGAACACCTCGTTTCTCAT[C>G]TCCAAATGTGATCTCCTTTGGTCCAGAGCAGACAGGTCGGGCCCTGGGTGATCAGAGCAA-3'
Protein context (NP_056153.2, residues 1266-1286): LTTSRTPRFS[Ser1276Cys]PNVISFGPEQ

ClinVar aggregate classification (germline): Uncertain significance (1 of 4 stars; one submission).

Conditions:
Inborn genetic diseases. Identifiers: MedGen C0950123, MeSH D030342.

gnomAD v4.1: 1 of 1,614,226 alleles (0.000062%); highest among the groups gnomAD compares: African/African-American, 0.0013%; no homozygotes.

Submission:

Ambry Genetics
Classification: Uncertain significance for Inborn genetic diseases. Last evaluated: 2025-03-08. Review status: criteria provided, single submitter. Criteria: Ambry Variant Classification Scheme 2023. Collection method: clinical testing. Allele origin: germline.
Comment: The p.S1276C variant (also known as c.3827C>G), located in coding exon 13 of the ASXL1 gene, results from a C to G substitution at nucleotide position 3827. The serine at codon 1276 is replaced by cysteine, an amino acid with dissimilar properties. This amino acid position is conserved. In addition, this alteration is predicted to be tolerated by in silico analysis. Based on the available evidence, the clinical significance of this variant remains unclear.